The following is an entry in ClinVar:

NM_014797.3(ZBTB24):c.1553C>G (p.Ala518Gly)

Gene: ZBTB24 (zinc finger and BTB domain containing 24; minus strand). Cytogenetic location: 6q21.
Variant type: single nucleotide variant.
Coding change: c.1553C>G on transcript NM_014797.3 (MANE Select); coding-DNA position 1553, C replaced by G.
Protein change: p.Ala518Gly; replaces alanine 518 with glycine.
Molecular consequence: missense variant.
Genome position (GRCh38, 1-based): chr6:109,466,392, G>C on the plus strand (C>G on the coding strand, the complement: ZBTB24 is on the minus strand). VCF-style: chr6-109466392-G-C. GRCh37 (hg19) VCF-style: chr6-109787595-G-C.
Other names: short protein forms A518G.
Identifiers: ClinVar variation 1363553 (VCV001363553.8), dbSNP rs1042762656, ClinGen allele CA145100998.
Genomic context (GRCh38, chr6:109,466,392, plus strand): 5'-TGAAGAATATTCCTGACCTCTTCTGTATTACTACTGCCAGAAATGCTGCTGGCATCTGAA[G>C]CATGCTTCTCCTTGCTATGAATTTTCAAGTGAGCCTTCAAGTTGTCTAAGCGAGCAAACT-3'
Protein context (NP_055612.2, residues 508-528): HLKIHSKEKH[Ala518Gly]SDASSISGSS

ClinVar aggregate classification (germline): Uncertain significance (1 of 4 stars; one submission).

Conditions:
Immunodeficiency-centromeric instability-facial anomalies syndrome 2 (ICF2). Identifiers: Orphanet 2268, MedGen C3279748, MONDO:0013553, OMIM 614069.

gnomAD v4.1: 2 of 1,614,060 alleles (0.00012%); highest among the groups gnomAD compares: African/African-American, 0.0027%; no homozygotes.

Submission:

Labcorp Genetics (formerly Invitae), Labcorp
Classification: Uncertain significance for Immunodeficiency-centromeric instability-facial anomalies syndrome 2. Last evaluated: 2021-06-29. Review status: criteria provided, single submitter. Criteria: Invitae Variant Classification Sherloc (09022015). Collection method: clinical testing. Allele origin: germline.
Comment: This sequence change replaces alanine with glycine at codon 518 of the ZBTB24 protein (p.Ala518Gly). The alanine residue is moderately conserved and there is a small physicochemical difference between alanine and glycine. This variant is not present in population databases (ExAC no frequency). This variant has not been reported in the literature in individuals affected with ZBTB24-related conditions. Algorithms developed to predict the effect of missense changes on protein structure and function are either unavailable or do not agree on the potential impact of this missense change (SIFT: "Not Available"; PolyPhen-2: "Benign"; Align-GVGD: "Not Available"). In summary, the available evidence is currently insufficient to determine the role of this variant in disease. Therefore, it has been classified as a Variant of Uncertain Significance.